The following is an entry in ClinVar:

NM_024334.3(TMEM43):c.1193A>T (p.Lys398Met)

Gene: TMEM43 (transmembrane protein 43; plus strand). Cytogenetic location: 3p25.1.
Variant type: single nucleotide variant.
Coding change: c.1193A>T on transcript NM_024334.3 (MANE Select); coding-DNA position 1193, A replaced by T.
Protein change: p.Lys398Met; replaces lysine 398 with methionine.
Molecular consequence: missense variant.
Genome position (GRCh38, 1-based): chr3:14,141,785, A>T. VCF-style: chr3-14141785-A-T. GRCh37 (hg19) VCF-style: chr3-14183285-A-T.
Other names: c.1196A>T, p.Lys399Met (NM_001407274.1); c.1190A>T, p.Lys397Met (NM_001407275.1, NM_001407276.1); c.1187A>T, p.Lys396Met (NM_001407277.1); c.1178A>T, p.Lys393Met (NM_001407278.1); c.1118A>T, p.Lys373Met (NM_001407279.1); c.1043A>T, p.Lys348Met (NM_001407280.1); short protein forms K399M, K396M, K393M, K398M, K348M, K373M, K397M.
Identifiers: ClinVar variation 3808339 (VCV003808339.1).

ClinVar aggregate classification (germline): Uncertain significance (1 of 4 stars; one submission).

Conditions:
Cardiovascular phenotype. Identifiers: MedGen CN230736.

gnomAD v4.1: 12 of 1,613,460 alleles (0.00074%); highest among the groups gnomAD compares: Non-Finnish European, 0.001%; no homozygotes.

Submission:

Ambry Genetics
Classification: Uncertain significance for Cardiovascular phenotype. Last evaluated: 2024-12-31. Review status: criteria provided, single submitter. Criteria: Ambry Variant Classification Scheme 2023. Collection method: clinical testing. Allele origin: germline.
Comment: The p.K398M variant (also known as c.1193A>T), located in coding exon 12 of the TMEM43 gene, results from an A to T substitution at nucleotide position 1193. The lysine at codon 398 is replaced by methionine, an amino acid with similar properties. This amino acid position is conserved. In addition, the in silico prediction for this alteration is inconclusive. Based on the available evidence, the clinical significance of this variant remains unclear.